The following is an entry in ClinVar:

NM_001282225.2(ADA2):c.362T>C (p.Met121Thr)

Gene: ADA2 (adenosine deaminase 2; minus strand). Cytogenetic location: 22q11.1.
Variant type: single nucleotide variant.
Coding change: c.362T>C on transcript NM_001282225.2 (MANE Select); coding-DNA position 362, T replaced by C.
Protein change: p.Met121Thr; replaces methionine 121 with threonine.
Molecular consequence: missense variant. On other transcripts: initiator codon variant (1).
Genome position (GRCh38, 1-based): chr22:17,207,251, A>G on the plus strand (T>C on the coding strand, the complement: ADA2 is on the minus strand). VCF-style: chr22-17207251-A-G. GRCh37 (hg19) VCF-style: chr22-17688141-A-G.
Other names: c.362T>C, p.Met121Thr (NM_001282226.2); c.236T>C, p.Met79Thr (NM_001282227.2, NM_001282228.2); c.2T>C, p.Met1Thr (NM_001282229.2); short protein forms M79T, M1T, M121T.
Identifiers: ClinVar variation 652810 (VCV000652810.15), dbSNP rs189403607, ClinGen allele CA10088254.

ClinVar aggregate classification (germline): Uncertain significance. Review status: criteria provided, multiple submitters, no conflicts (2 of 4 stars). 4 submissions from 4 submitters: Uncertain significance (4). Last evaluated 2025-01-29.

Conditions:
Deficiency of adenosine deaminase 2. Also called: Polyarteritis nodosa, childhoood-onset; Adenosine Deaminase 2 Deficiency; VASCULITIS, AUTOINFLAMMATION, IMMUNODEFICIENCY, AND HEMATOLOGIC DEFECTS SYNDROME. Identifiers: Orphanet 404553, MedGen C3887654, MONDO:0014306, OMIM 615688, MONDO:0100317.
Autoinflammatory syndrome. Identifiers: Orphanet 93665, MedGen C3890737, MONDO:0019751.
Sneddon syndrome (SNDNS). Also called: LIVEDO RETICULARIS AND CEREBROVASCULAR ACCIDENTS; Idiopathic livedo reticularis with systemic involvement. Identifiers: Orphanet 820, MedGen C0282492, MONDO:0008436, OMIM 182410.

Allele frequency attached by ClinVar (database versions not stated): TOPMed 0.00005; gnomAD 0.00006; gnomAD exomes 0.00013 and 0.00016; 1000 Genomes Project 30x 0.00016; ExAC 0.00016; 1000 Genomes Project 0.00020.

Submissions (4):

Labcorp Genetics (formerly Invitae), Labcorp
Classification: Uncertain significance for Deficiency of adenosine deaminase 2. Last evaluated: 2025-01-29. Review status: criteria provided, single submitter. Criteria: Invitae Variant Classification Sherloc (09022015). Collection method: clinical testing. Allele origin: germline.
Comment: This sequence change replaces methionine, which is neutral and non-polar, with threonine, which is neutral and polar, at codon 121 of the ADA2 protein (p.Met121Thr). This variant is present in population databases (rs189403607, gnomAD 0.02%). This variant has not been reported in the literature in individuals affected with ADA2-related conditions. ClinVar contains an entry for this variant (Variation ID: 652810). Invitae Evidence Modeling of protein sequence and biophysical properties (such as structural, functional, and spatial information, amino acid conservation, physicochemical variation, residue mobility, and thermodynamic stability) indicates that this missense variant is not expected to disrupt ADA2 protein function with a negative predictive value of 80%. In summary, the available evidence is currently insufficient to determine the role of this variant in disease. Therefore, it has been classified as a Variant of Uncertain Significance.

Fulgent Genetics
Classification: Uncertain significance for Sneddon syndrome; Deficiency of adenosine deaminase 2. Last evaluated: 2024-04-05. Review status: criteria provided, single submitter. Criteria: ACMG Guidelines, 2015. Collection method: clinical testing. Allele origin: germline.

Department of Pathology and Laboratory Medicine, Sinai Health System
Classification: Uncertain significance for Deficiency of adenosine deaminase 2. Last evaluated: 2023-02-28. Review status: criteria provided, single submitter. Criteria: ACMG Guidelines, 2015. Collection method: research. Allele origin: germline.

Genome Diagnostics Laboratory, The Hospital for Sick Children
Classification: Uncertain significance for Autoinflammatory syndrome. Last evaluated: 2021-03-19. Review status: criteria provided, single submitter. Criteria: ACMG Guidelines, 2015. Collection method: clinical testing. Allele origin: germline. Affected: yes.